The following is an entry in ClinVar:

NM_201384.3(PLEC):c.7426-3C>T

Gene: PLEC (plectin; minus strand). Cytogenetic location: 8q24.3.
Variant type: single nucleotide variant.
Coding change: c.7426-3C>T on transcript NM_201384.3 (MANE Select); 3 bases into the intron before coding-DNA position 7426, C replaced by T.
Molecular consequence: intron variant.
Genome position (GRCh38, 1-based): chr8:143,922,398, G>A on the plus strand (C>T on the coding strand, the complement: PLEC is on the minus strand). VCF-style: chr8-143922398-G-A. GRCh37 (hg19) VCF-style: chr8-144996566-G-A.
Other names: c.7507-3C>T (NM_000445.3, NM_000445.5); c.7384-3C>T (NM_201378.4); c.7360-3C>T (NM_201379.3); c.7837-3C>T (NM_201380.4); c.7330-3C>T (NM_201381.3); c.7426-3C>T (NM_201382.4); c.7438-3C>T (NM_201383.3).
Identifiers: ClinVar variation 1898130 (VCV001898130.8), dbSNP rs1050298065, ClinGen allele CA187613002.

ClinVar aggregate classification (germline): Uncertain significance. Review status: criteria provided, multiple submitters, no conflicts (2 of 4 stars). 2 submissions from 2 submitters: Uncertain significance (2). Last evaluated 2025-07-30.

Conditions:
Epidermolysis bullosa simplex 5B, with muscular dystrophy (EBS5B). Also called: EPIDERMOLYSIS BULLOSA SIMPLEX AND LIMB-GIRDLE MUSCULAR DYSTROPHY; Epidermolysis bullosa simplex with muscular dystrophy. Identifiers: Orphanet 257, MedGen C2931072, MONDO:0009181, OMIM 226670.
Epidermolysis bullosa simplex, Ogna type (EBS5A). Also called: Pidermolysis bullosa simplex 5A, Ogna type; EPIDERMOLYSIS BULLOSA SIMPLEX 5A, OGNA TYPE. Identifiers: Orphanet 79401, MedGen C0432317, MONDO:0007555, OMIM 131950.
Epidermolysis bullosa simplex with nail dystrophy (EBS5D). Identifiers: MedGen C4225309, MONDO:0014661, OMIM 616487.
Autosomal recessive limb-girdle muscular dystrophy type 2Q (LGMDR17). Also called: MUSCULAR DYSTROPHY, LIMB-GIRDLE, AUTOSOMAL RECESSIVE 17. Identifiers: Orphanet 254361, MedGen C3150989, MONDO:0013390, OMIM 613723.
Epidermolysis bullosa simplex 5C, with pyloric atresia (EBS5C). Also called: PLEC1-Related Epidermolysis Bullosa with Pyloric Atresia; Epidermolysis bullosa simplex with pyloric atresia; PLEC-Related Epidermolysis Bullosa with Pyloric Atresia. Identifiers: Orphanet 158684, MedGen C2677349, MONDO:0012807, OMIM 612138.

Allele frequency attached by ClinVar (database versions not stated): gnomAD 0.00001; gnomAD exomes 0.00001; TOPMed 0.00001.
gnomAD v4.1: 12 of 1,601,222 alleles (0.00075%); highest among the groups gnomAD compares: African/African-American, 0.0013%; no homozygotes.

Submissions (2):

Labcorp Genetics (formerly Invitae), Labcorp
Classification: Uncertain significance for Autosomal recessive limb-girdle muscular dystrophy type 2Q; Epidermolysis bullosa simplex, Ogna type; Epidermolysis bullosa simplex with nail dystrophy; Epidermolysis bullosa simplex 5C, with pyloric atresia; Epidermolysis bullosa simplex 5B, with muscular dystrophy. Last evaluated: 2025-07-30. Review status: criteria provided, single submitter. Criteria: Invitae Variant Classification Sherloc (09022015). Collection method: clinical testing. Allele origin: germline.
Comment: This sequence change falls in intron 32 of the PLEC gene. It does not directly change the encoded amino acid sequence of the PLEC protein. It affects a nucleotide within the consensus splice site. The frequency data for this variant in the population databases is considered unreliable, as metrics indicate poor data quality at this position in the gnomAD database. This variant has not been reported in the literature in individuals affected with PLEC-related conditions. ClinVar contains an entry for this variant (Variation ID: 1898130). Variants that disrupt the consensus splice site are a relatively common cause of aberrant splicing (PMID: 17576681, 9536098). Algorithms developed to predict the effect of sequence changes on RNA splicing suggest that this variant is not likely to affect RNA splicing. In summary, the available evidence is currently insufficient to determine the role of this variant in disease. Therefore, it has been classified as a Variant of Uncertain Significance.

Revvity Omics, Revvity
Classification: Uncertain significance. Last evaluated: 2019-09-19. Review status: criteria provided, single submitter. Criteria: ACMG Guidelines, 2015. Collection method: clinical testing. Allele origin: germline.

Literature cited by the submitters: PubMed 17576681 (cited by Labcorp Genetics (formerly Invitae), Labcorp); PubMed 9536098 (cited by Labcorp Genetics (formerly Invitae), Labcorp).